The following is an entry in ClinVar:

ClinVar aggregate classification (germline): Uncertain significance. Review status: criteria provided, multiple submitters, no conflicts (2 of 4 stars). 3 submissions from 3 submitters: Uncertain significance (3). Last evaluated 2023-06-07.

Conditions:
Atrial conduction disease. Identifiers: Orphanet 436242, MedGen CN221670, MONDO:0014500.

Allele frequency attached by ClinVar (database versions not stated): gnomAD 0.00001; gnomAD exomes 0.00001 and 0.00002; TOPMed 0.00001; ExAC 0.00002; 1000 Genomes Project 0.00020; 1000 Genomes Project 30x 0.00031.
gnomAD v4.1: 13 of 1,614,044 alleles (0.00081%); highest among the groups gnomAD compares: East Asian, 0.027%; no homozygotes.

Submissions (3):

Labcorp Genetics (formerly Invitae), Labcorp
Classification: Uncertain significance. Last evaluated: 2023-06-07. Review status: criteria provided, single submitter. Criteria: Invitae Variant Classification Sherloc (09022015). Collection method: clinical testing. Allele origin: germline.
Comment: This variant is present in population databases (rs184306323, gnomAD 0.04%). This sequence change replaces cysteine, which is neutral and slightly polar, with arginine, which is basic and polar, at codon 385 of the TNNI3K protein (p.Cys385Arg). This variant has not been reported in the literature in individuals affected with TNNI3K-related conditions. ClinVar contains an entry for this variant (Variation ID: 1302410). Advanced modeling of protein sequence and biophysical properties (such as structural, functional, and spatial information, amino acid conservation, physicochemical variation, residue mobility, and thermodynamic stability) performed at Invitae indicates that this missense variant is not expected to disrupt TNNI3K protein function. In summary, the available evidence is currently insufficient to determine the role of this variant in disease. Therefore, it has been classified as a Variant of Uncertain Significance.

Genome-Nilou Lab
Classification: Uncertain significance for Cardiac conduction disease with or without dilated cardiomyopathy 1. Last evaluated: 2023-04-11. Review status: criteria provided, single submitter. Criteria: ACMG Guidelines, 2015. Collection method: clinical testing. Allele origin: germline. Affected: no.

GeneDx
Classification: Uncertain significance. Last evaluated: 2021-01-11. Review status: criteria provided, single submitter. Criteria: GeneDx Variant Classification Process June 2021. Collection method: clinical testing. Allele origin: germline. Affected: yes.
Comment: In silico analysis supports that this missense variant does not alter protein structure/function; Has not been previously published as pathogenic or benign to our knowledge

NM_015978.3(TNNI3K):c.1153T>C (p.Cys385Arg)

Genes: FPGT-TNNI3K (FPGT-TNNI3K readthrough; plus strand), TNNI3K (TNNI3 interacting kinase; plus strand). Cytogenetic location: 1p31.1.
Variant type: single nucleotide variant.
Coding change: c.1153T>C on transcript NM_015978.3 (MANE Select); coding-DNA position 1153, T replaced by C.
Protein change: p.Cys385Arg; replaces cysteine 385 with arginine.
Molecular consequence: missense variant.
Genome position (GRCh38, 1-based): chr1:74,354,105, T>C. VCF-style: chr1-74354105-T-C. GRCh37 (hg19) VCF-style: chr1-74819789-T-C.
Other names: c.1456T>C, p.Cys486Arg (NM_001112808.3, NM_001199327.2); short protein forms C385R, C486R.
Identifiers: ClinVar variation 1302410 (VCV001302410.8), dbSNP rs184306323, ClinGen allele CA909166.